The following is an entry in ClinVar:

NM_017617.5(NOTCH1):c.2762C>T (p.Ser921Phe)

Gene: NOTCH1 (notch receptor 1; minus strand). Cytogenetic location: 9q34.3.
Variant type: single nucleotide variant.
Coding change: c.2762C>T on transcript NM_017617.5 (MANE Select); coding-DNA position 2762, C replaced by T.
Protein change: p.Ser921Phe; replaces serine 921 with phenylalanine.
Molecular consequence: missense variant.
Genome position (GRCh38, 1-based): chr9:136,509,940, G>A on the plus strand (C>T on the coding strand, the complement: NOTCH1 is on the minus strand). VCF-style: chr9-136509940-G-A. GRCh37 (hg19) VCF-style: chr9-139404392-G-A.
Other names: short protein forms S921F.
Identifiers: ClinVar variation 1795705 (VCV001795705.2), dbSNP rs1470997215, ClinGen allele CA375554684.

ClinVar aggregate classification (germline): Uncertain significance (1 of 4 stars; one submission).

Conditions:
Familial thoracic aortic aneurysm and aortic dissection (TAAD). Also called: Thoracic aortic aneurysms and dissections. Identifiers: Orphanet 91387, MedGen C4707243, MONDO:0019625.

Allele frequency attached by ClinVar (database versions not stated): gnomAD exomes below 0.00001; gnomAD 0.00001.
gnomAD v4.1: 3 of 1,613,120 alleles (0.00019%); highest among the groups gnomAD compares: African/African-American, 0.0013%; no homozygotes.

Submission:

Ambry Genetics
Classification: Uncertain significance for Familial thoracic aortic aneurysm and aortic dissection. Last evaluated: 2021-05-27. Review status: criteria provided, single submitter. Criteria: Ambry Variant Classification Scheme 2023. Collection method: clinical testing. Allele origin: germline.
Comment: The p.S921F variant (also known as c.2762C>T), located in coding exon 18 of the NOTCH1 gene, results from a C to T substitution at nucleotide position 2762. The serine at codon 921 is replaced by phenylalanine, an amino acid with highly dissimilar properties. This amino acid position is not well conserved in available vertebrate species, and phenylalanine is the reference amino acid in other vertebrate species. In addition, this alteration is predicted to be tolerated by in silico analysis. Since supporting evidence is limited at this time, the clinical significance of this alteration remains unclear.